The following is an entry in ClinVar:

NM_005431.2(XRCC2):c.820G>A (p.Glu274Lys)

Gene: XRCC2 (X-ray repair cross complementing 2; minus strand). Cytogenetic location: 7q36.1.
Variant type: single nucleotide variant.
Coding change: c.820G>A on transcript NM_005431.2 (MANE Select); coding-DNA position 820, G replaced by A.
Protein change: p.Glu274Lys; replaces glutamic acid 274 with lysine.
Molecular consequence: missense variant.
Genome position (GRCh38, 1-based): chr7:152,648,665, C>T on the plus strand (G>A on the coding strand, the complement: XRCC2 is on the minus strand). VCF-style: chr7-152648665-C-T. GRCh37 (hg19) VCF-style: chr7-152345750-C-T.
Other names: short protein forms E274K.
Identifiers: ClinVar variation 4202865 (VCV004202865.1).

ClinVar aggregate classification (germline): Uncertain significance (1 of 4 stars; one submission).

Conditions:
Hereditary cancer-predisposing syndrome. Also called: Neoplastic Syndromes, Hereditary; Tumor predisposition; Hereditary Cancer Syndrome; Hereditary neoplastic syndrome. Identifiers: Orphanet 140162, MedGen C0027672, MeSH D009386, MONDO:0015356.

Submission:

Ambry Genetics
Classification: Uncertain significance for Hereditary cancer-predisposing syndrome. Last evaluated: 2025-07-20. Review status: criteria provided, single submitter. Criteria: Ambry Variant Classification Scheme 2023. Collection method: clinical testing. Allele origin: germline.
Comment: The p.E274K variant (also known as c.820G>A), located in coding exon 3 of the XRCC2 gene, results from a G to A substitution at nucleotide position 820. The glutamic acid at codon 274 is replaced by lysine, an amino acid with similar properties. This amino acid position is conserved. In addition, the in silico prediction for this alteration is inconclusive. Based on the available evidence, the clinical significance of this variant remains unclear.